The following is an entry in ClinVar:

NM_000038.6(APC):c.2680_2686dup (p.Ala896fs)

Gene: APC (APC regulator of Wnt signaling pathway; plus strand). Cytogenetic location: 5q22.2.
Variant type: Duplication.
Coding change: c.2680_2686dup on transcript NM_000038.6 (MANE Select); coding-DNA positions 2680 to 2686, 7 bases duplicated (GTGTCAG; older notation c.2680_2686dupGTGTCAG).
Protein change: p.Ala896fs; shifts the reading frame from alanine 896.
Molecular consequence: frameshift variant.
Genome position (GRCh38, 1-based): chr5:112,838,274-112,838,280, GTGTCAG duplicated. VCF-style (leftmost placement, unchanged base first): chr5-112838273-A-AGTGTCAG. GRCh37 (hg19) VCF-style: chr5-112173970-A-AGTGTCAG.
Other names: c.2680_2686dup, p.Ala896fs (NM_001127510.3, NM_001354895.2); c.2626_2632dup, p.Ala878fs (NM_001127511.3); c.2734_2740dup, p.Ala914fs (NM_001354896.2); c.2710_2716dup, p.Ala906fs (NM_001354897.2); c.2605_2611dup, p.Ala871fs (NM_001354898.2); c.2596_2602dup, p.Ala868fs (NM_001354899.2); c.2557_2563dup, p.Ala855fs (NM_001354900.2); c.2503_2509dup, p.Ala837fs (NM_001354901.2); and 5 more; short protein forms A736fs, A770fs, A868fs, A896fs, A837fs, A855fs, A906fs, A914fs.
Identifiers: ClinVar variation 141652 (VCV000141652.15), dbSNP rs587781910, ClinGen allele CA166045.

ClinVar aggregate classification (germline): Pathogenic. Review status: criteria provided, multiple submitters, no conflicts (2 of 4 stars). 4 submissions from 4 submitters: Pathogenic (4). Last evaluated 2023-05-05.

Conditions:
Hereditary cancer-predisposing syndrome. Also called: Neoplastic Syndromes, Hereditary; Tumor predisposition; Hereditary Cancer Syndrome; Hereditary neoplastic syndrome. Identifiers: Orphanet 140162, MedGen C0027672, MeSH D009386, MONDO:0015356.
Familial adenomatous polyposis 1 (FAP1). Also called: FAMILIAL ADENOMATOUS POLYPOSIS 1, ATTENUATED; POLYPOSIS, ADENOMATOUS INTESTINAL. Identifiers: MedGen C2713442, MONDO:0021056, OMIM 175100. Disease mechanism: loss of function.

Submissions (4):

Myriad Genetics, Inc.
Classification: Pathogenic for Familial adenomatous polyposis 1. Last evaluated: 2023-05-05. Review status: criteria provided, single submitter. Criteria: Myriad Autosomal Dominant, Autosomal Recessive and X-Linked Classification Criteria (2023). Collection method: clinical testing. Allele origin: unknown.
Comment: This variant is considered pathogenic. This variant creates a frameshift predicted to result in premature protein truncation.

Labcorp Genetics (formerly Invitae), Labcorp
Classification: Pathogenic for Familial adenomatous polyposis 1. Last evaluated: 2020-11-24. Review status: criteria provided, single submitter. Criteria: Invitae Variant Classification Sherloc (09022015). Collection method: clinical testing. Allele origin: germline.
Comment: This variant is not present in population databases (ExAC no frequency). This variant is expected to disrupt the EB1 and HDLG binding sites, which mediate interactions with the cytoskeleton (PMID: 15311282, 17293347). While functional studies have not been performed to directly test the effect on APC protein function, this suggests that disruption of the C-terminal portion of the protein is functionally important. For these reasons, this variant has been classified as Pathogenic. A different truncation (p.Tyr2645Lysfs*14) that lies downstream of this variant has been determined to be pathogenic (PMID: 9824584, 1316610, 27081525, 8381579, 22135120, Invitae). This suggests that deletion of this region of the APC protein is causative of disease. Algorithms developed to predict the effect of sequence changes on RNA splicing suggest that this variant may create or strengthen a splice site, but this prediction has not been confirmed by published transcriptional studies. This variant has been observed in individual(s) with clinical features of familial adenomatous polyposis (PMID: 23159591). ClinVar contains an entry for this variant (Variation ID: 141652). This sequence change creates a premature translational stop signal (p.Ala896Glyfs*18) in the APC gene. While this is not anticipated to result in nonsense mediated decay, it is expected to disrupt the last 1948 amino acid(s) of the APC protein.

GeneDx
Classification: Pathogenic. Last evaluated: 2015-11-17. Review status: criteria provided, single submitter. Criteria: GeneDx Variant Classification (06012015). Collection method: clinical testing. Allele origin: germline. Affected: yes.
Comment: This duplication of 7 nucleotides in APC is denoted c.2680_2686dupGTGTCAG at the cDNA level and p.Ala896GlyfsX18(A896GfsX18) at the protein level. The normal sequence, with the bases that are duplicated in braces, is AGAA[GTGTCAG]CCAT. The duplication causes a frameshift, which changes an Alanine to a Glycine at codon 896, and creates a premature stop codon at position 18 of the new reading frame. This variant is predicted to cause loss of normal protein function through protein truncation. The loss of these residues disrupts several functional domains and regions responsible for down-regulation (Azzopardi 2008, UniProt). APC c.2680_2686dupGTGTCAG. also denoted as APC c.2680_2686dup7, has been observed in association with Familial Adenomatous Polyposis (Kerr 2013). We consider this variant to be pathogenic.

Ambry Genetics
Classification: Pathogenic for Hereditary cancer-predisposing syndrome. Last evaluated: 2015-03-02. Review status: criteria provided, single submitter. Criteria: Ambry Variant Classification Scheme 2023. Collection method: clinical testing. Allele origin: germline.
Comment: The c.2680_2686dupGTGTCAG pathogenic mutation, located in coding exon 15 of the APC gene, results from a duplication of GTGTCAG at nucleotide positions 2680 to 2686, causing a translational frameshift with a predicted alternate stop codon. This mutation has been previously reported in the literature, though clinical history was not provided (Kerr, SE et al. J Mol Diagn. 2013 Jan;15(1):31-43). Since frameshifts are typically deleterious in nature, this alteration is interpreted as a disease-causing mutation (ACMG Recommendations for Standards for Interpretation and Reporting of Sequence Variations. Revision 2007. Genet Med. 2008;10:294).

Literature cited by the submitters: PubMed 15311282 (cited by Labcorp Genetics (formerly Invitae), Labcorp); PubMed 17293347 (cited by Labcorp Genetics (formerly Invitae), Labcorp); PubMed 9824584 (cited by Labcorp Genetics (formerly Invitae), Labcorp); PubMed 1316610 (cited by Labcorp Genetics (formerly Invitae), Labcorp); PubMed 27081525 (cited by Labcorp Genetics (formerly Invitae), Labcorp); PubMed 8381579 (cited by Labcorp Genetics (formerly Invitae), Labcorp); PubMed 22135120 (cited by Labcorp Genetics (formerly Invitae), Labcorp); PubMed 23159591 (cited by Labcorp Genetics (formerly Invitae), Labcorp).